The following is an entry in ClinVar:

NM_001204.7(BMPR2):c.656A>T (p.Lys219Ile)

Gene: BMPR2 (bone morphogenetic protein receptor type 2; plus strand). Cytogenetic location: 2q33.2.
Variant type: single nucleotide variant.
Coding change: c.656A>T on transcript NM_001204.7 (MANE Select); coding-DNA position 656, A replaced by T.
Protein change: p.Lys219Ile; replaces lysine 219 with isoleucine.
Molecular consequence: missense variant.
Genome position (GRCh38, 1-based): chr2:202,518,856, A>T. VCF-style: chr2-202518856-A-T. GRCh37 (hg19) VCF-style: chr2-203383579-A-T.
Other names: short protein forms K219I.
Identifiers: ClinVar variation 4597958 (VCV004597958.1).

ClinVar aggregate classification (germline): Uncertain significance (1 of 4 stars; one submission).

Conditions:
Inborn genetic diseases. Identifiers: MedGen C0950123, MeSH D030342.

Submission:

Ambry Genetics
Classification: Uncertain significance for Inborn genetic diseases. Last evaluated: 2025-11-27. Review status: criteria provided, single submitter. Criteria: Ambry Variant Classification Scheme 2023. Collection method: clinical testing. Allele origin: germline.
Comment: The p.K219I variant (also known as c.656A>T), located in coding exon 6 of the BMPR2 gene, results from an A to T substitution at nucleotide position 656. The lysine at codon 219 is replaced by isoleucine, an amino acid with dissimilar properties. This amino acid position is conserved. In addition, this alteration is predicted to be deleterious by in silico analysis. Based on the available evidence, the clinical significance of this variant remains unclear.